The following is an entry in ClinVar:

NM_001142800.2(EYS):c.584G>A (p.Ser195Asn)

Gene: EYS (eyes shut homolog; minus strand). Cytogenetic location: 6q12.
Variant type: single nucleotide variant.
Coding change: c.584G>A on transcript NM_001142800.2 (MANE Select); coding-DNA position 584, G replaced by A.
Protein change: p.Ser195Asn; replaces serine 195 with asparagine.
Molecular consequence: missense variant.
Genome position (GRCh38, 1-based): chr6:65,494,827, C>T on the plus strand (G>A on the coding strand, the complement: EYS is on the minus strand). VCF-style: chr6-65494827-C-T. GRCh37 (hg19) VCF-style: chr6-66204720-C-T.
Other names: c.584G>A, p.Ser195Asn (NM_001142801.2, NM_001292009.2, NM_198283.2); short protein forms S195N.
Identifiers: ClinVar variation 1037900 (VCV001037900.6), dbSNP rs1562221183, ClinGen allele CA364789593.

ClinVar aggregate classification (germline): Uncertain significance (1 of 4 stars; one submission).

Allele frequency attached by ClinVar (database versions not stated): gnomAD exomes below 0.00001; gnomAD 0.00001; TOPMed 0.00001.

Submission:

Labcorp Genetics (formerly Invitae), Labcorp
Classification: Uncertain significance. Last evaluated: 2021-08-30. Review status: criteria provided, single submitter. Criteria: Invitae Variant Classification Sherloc (09022015). Collection method: clinical testing. Allele origin: germline.
Comment: This sequence change replaces serine with asparagine at codon 195 of the EYS protein (p.Ser195Asn). The serine residue is moderately conserved and there is a small physicochemical difference between serine and asparagine. This variant is not present in population databases (ExAC no frequency). This variant has not been reported in the literature in individuals affected with EYS-related conditions. Algorithms developed to predict the effect of missense changes on protein structure and function output the following: SIFT: "Tolerated"; PolyPhen-2: "Benign"; Align-GVGD: "Class C0". The asparagine amino acid residue is found in multiple mammalian species, which suggests that this missense change does not adversely affect protein function. In summary, the available evidence is currently insufficient to determine the role of this variant in disease. Therefore, it has been classified as a Variant of Uncertain Significance.